The following is an entry in ClinVar:

ClinVar aggregate classification (germline): Pathogenic (1 of 4 stars; one submission).

Conditions:
Landau-Kleffner syndrome (FESD). Also called: EPILEPSY, FOCAL, WITH SPEECH DISORDER AND WITH OR WITHOUT MENTAL RETARDATION; APHASIA, ACQUIRED, WITH EPILEPSY. Identifiers: Orphanet 1945, Orphanet 725, Orphanet 98818, MedGen C0282512, MONDO:0009509, OMIM 245570.

Submission:

Labcorp Genetics (formerly Invitae), Labcorp
Classification: Pathogenic for Landau-Kleffner syndrome. Last evaluated: 2023-05-11. Review status: criteria provided, single submitter. Criteria: Invitae Variant Classification Sherloc (09022015). Collection method: clinical testing. Allele origin: germline.
Comment: This sequence change creates a premature translational stop signal (p.Tyr842*) in the GRIN2A gene. It is expected to result in an absent or disrupted protein product. Loss-of-function variants in GRIN2A are known to be pathogenic (PMID: 23933819, 23933820). This variant is not present in population databases (gnomAD no frequency). This variant has not been reported in the literature in individuals affected with GRIN2A-related conditions. For these reasons, this variant has been classified as Pathogenic.

Literature cited by the submitters: PubMed 23933819; PubMed 23933820.

NM_001134407.3(GRIN2A):c.2526C>G (p.Tyr842Ter)

Gene: GRIN2A (glutamate ionotropic receptor NMDA type subunit 2A; minus strand). Cytogenetic location: 16p13.2.
Variant type: single nucleotide variant.
Coding change: c.2526C>G on transcript NM_001134407.3 (MANE Select); coding-DNA position 2526, C replaced by G.
Protein change: p.Tyr842Ter; replaces tyrosine 842 with a stop codon.
Molecular consequence: nonsense.
Genome position (GRCh38, 1-based): chr16:9,768,920, G>C on the plus strand (C>G on the coding strand, the complement: GRIN2A is on the minus strand). VCF-style: chr16-9768920-G-C. GRCh37 (hg19) VCF-style: chr16-9862777-G-C.
Other names: c.2526C>G, p.Tyr842Ter (NM_000833.5, NM_001134408.2); short protein forms Y842*.
Identifiers: ClinVar variation 2818658 (VCV002818658.3), dbSNP rs1567282497, ClinGen allele CA394709942.